The following is an entry in ClinVar:

ClinVar aggregate classification (germline): Uncertain significance. Review status: criteria provided, multiple submitters, no conflicts (2 of 4 stars). 2 submissions from 2 submitters: Uncertain significance (2). Last evaluated 2025-11-29.

Conditions:
Hereditary cancer-predisposing syndrome. Also called: Neoplastic Syndromes, Hereditary; Tumor predisposition; Hereditary Cancer Syndrome; Hereditary neoplastic syndrome. Identifiers: Orphanet 140162, MedGen C0027672, MeSH D009386, MONDO:0015356.
EGFR-related lung cancer (EGFR). Identifiers: MedGen CN130014.

Submissions (2):

Ambry Genetics
Classification: Uncertain significance for Hereditary cancer-predisposing syndrome. Last evaluated: 2025-11-29. Review status: criteria provided, single submitter. Criteria: Ambry Variant Classification Scheme 2023. Collection method: clinical testing. Allele origin: germline.
Comment: The p.T725K variant (also known as c.2174C>A), located in coding exon 18 of the EGFR gene, results from a C to A substitution at nucleotide position 2174. The threonine at codon 725 is replaced by lysine, an amino acid with similar properties. This amino acid position is conserved. In addition, this alteration is predicted to be deleterious by in silico analysis. Based on the available evidence, the clinical significance of this variant remains unclear.

Labcorp Genetics (formerly Invitae), Labcorp
Classification: Uncertain significance for EGFR-related lung cancer. Last evaluated: 2025-10-02. Review status: criteria provided, single submitter. Criteria: Invitae Variant Classification Sherloc (09022015). Collection method: clinical testing. Allele origin: germline.
Comment: This sequence change replaces threonine, which is neutral and polar, with lysine, which is basic and polar, at codon 725 of the EGFR protein (p.Thr725Lys). This variant is not present in population databases (gnomAD no frequency). This variant has not been reported in the literature in individuals affected with EGFR-related conditions. Invitae Evidence Modeling of protein sequence and biophysical properties (such as structural, functional, and spatial information, amino acid conservation, physicochemical variation, residue mobility, and thermodynamic stability) indicates that this missense variant is not expected to disrupt EGFR protein function with a negative predictive value of 80%. In summary, the available evidence is currently insufficient to determine the role of this variant in disease. Therefore, it has been classified as a Variant of Uncertain Significance.

NM_005228.5(EGFR):c.2174C>A (p.Thr725Lys)

Gene: EGFR (epidermal growth factor receptor; plus strand). Cytogenetic location: 7p11.2.
Variant type: single nucleotide variant.
Coding change: c.2174C>A on transcript NM_005228.5 (MANE Select); coding-DNA position 2174, C replaced by A.
Protein change: p.Thr725Lys; replaces threonine 725 with lysine.
Molecular consequence: missense variant.
Genome position (GRCh38, 1-based): chr7:55,174,033, C>A. VCF-style: chr7-55174033-C-A. GRCh37 (hg19) VCF-style: chr7-55241726-C-A.
Other names: c.2039C>A, p.Thr680Lys (NM_001346897.2, NM_001346899.2); c.2174C>A, p.Thr725Lys (NM_001346898.2); c.2015C>A, p.Thr672Lys (NM_001346900.2); c.1373C>A, p.Thr458Lys (NM_001346941.2); short protein forms T672K, T725K, T680K, T458K.
Identifiers: ClinVar variation 4639916 (VCV004639916.2).